The following is an entry in ClinVar:

ClinVar aggregate classification (germline): Likely benign (1 of 4 stars; one submission).

Submission:

CeGaT Center for Human Genetics Tuebingen
Classification: Likely benign. Last evaluated: 2025-08-01. Review status: criteria provided, single submitter. Criteria: CeGaT Center For Human Genetics Tuebingen Variant Classification Criteria Version 2. Collection method: clinical testing. Allele origin: germline. Affected: yes. Observed: 1 variant allele.
Comment: ALK: PM2:Supporting, BP4, BP7

NM_004304.5(ALK):c.1696T>C (p.Leu566=)

Gene: ALK (ALK receptor tyrosine kinase; minus strand). Cytogenetic location: 2p23.2.
Variant type: single nucleotide variant.
Coding change: c.1696T>C on transcript NM_004304.5 (MANE Select); coding-DNA position 1696, T replaced by C.
Protein change: p.Leu566=; no amino-acid change (leucine 566 retained).
Molecular consequence: synonymous variant.
Genome position (GRCh38, 1-based): chr2:29,297,009, A>G on the plus strand (T>C on the coding strand, the complement: ALK is on the minus strand). VCF-style: chr2-29297009-A-G. GRCh37 (hg19) VCF-style: chr2-29519875-A-G.
Identifiers: ClinVar variation 4085680 (VCV004085680.8).